The following is an entry in ClinVar:

ClinVar aggregate classification (germline): Uncertain significance. Review status: criteria provided, multiple submitters, no conflicts (2 of 4 stars). 2 submissions from 2 submitters: Uncertain significance (2). Last evaluated 2025-11-05.

Conditions:
Inborn genetic diseases. Identifiers: MedGen C0950123, MeSH D030342.

Allele frequency attached by ClinVar (database versions not stated): gnomAD exomes below 0.00001.
gnomAD v4.1: 2 of 1,610,638 alleles (0.00012%); highest among the groups gnomAD compares: Non-Finnish European, 0.00017%; no homozygotes.

Submissions (2):

Ambry Genetics
Classification: Uncertain significance for Inborn genetic diseases. Last evaluated: 2025-11-05. Review status: criteria provided, single submitter. Criteria: Ambry Variant Classification Scheme 2023. Collection method: clinical testing. Allele origin: germline.

GeneDx
Classification: Uncertain significance. Last evaluated: 2025-08-28. Review status: criteria provided, single submitter. Criteria: GeneDx Variant Classification Process June 2021. Collection method: clinical testing. Allele origin: germline. Affected: yes.
Comment: Not observed at significant frequency in large population cohorts (gnomAD); In silico analysis supports that this missense variant has a deleterious effect on protein structure/function; Has not been previously published as pathogenic or benign to our knowledge

NM_006618.5(KDM5B):c.269T>C (p.Leu90Pro)

Gene: KDM5B (lysine demethylase 5B; minus strand). Cytogenetic location: 1q32.1.
Variant type: single nucleotide variant.
Coding change: c.269T>C on transcript NM_006618.5 (MANE Select); coding-DNA position 269, T replaced by C.
Protein change: p.Leu90Pro; replaces leucine 90 with proline.
Molecular consequence: missense variant.
Genome position (GRCh38, 1-based): chr1:202,777,030, A>G on the plus strand (T>C on the coding strand, the complement: KDM5B is on the minus strand). VCF-style: chr1-202777030-A-G. GRCh37 (hg19) VCF-style: chr1-202746158-A-G.
Other names: c.269T>C, p.Leu90Pro (NM_001314042.2, NM_001347591.2); c.254T>C, p.Leu85Pro (NM_001399817.1); short protein forms L85P, L90P.
Identifiers: ClinVar variation 1708780 (VCV001708780.4), dbSNP rs1656985414, ClinGen allele CA344264469.